The following is an entry in ClinVar:

NM_001845.6(COL4A1):c.1537-11_1537-5del

Gene: COL4A1 (collagen type IV alpha 1 chain; minus strand). Cytogenetic location: 13q34.
Variant type: Deletion.
Coding change: c.1537-11_1537-5del on transcript NM_001845.6 (MANE Select); 11 bases into the intron before coding-DNA position 1537 through 5 bases into the intron before coding-DNA position 1537, 7 bases deleted (TGTTCTT; older notation c.1537-11_1537-5delTGTTCTT).
Molecular consequence: intron variant.
Genome position (GRCh38, 1-based): chr13:110,187,334-110,187,340, AAGAACA deleted on the plus strand (TGTTCTT on the coding strand, the reverse complement: COL4A1 is on the minus strand); deleting any 7 consecutive bases within chr13:110,187,334-110,187,343 gives the same sequence; the c. name uses the placement nearest the transcript's 3' end. VCF-style (leftmost placement, unchanged base first): chr13-110187333-TAAGAACA-T. GRCh37 (hg19) VCF-style: chr13-110839680-TAAGAACA-T.
Identifiers: ClinVar variation 4531447 (VCV004531447.1).

ClinVar aggregate classification (germline): Uncertain significance (1 of 4 stars; one submission).

Conditions:
COL4A1-related disorder. Also called: COL4A1-related disorders; COL4A1-related condition. Identifiers: MedGen CN376119, MONDO:0800461.

Submission:

Victorian Clinical Genetics Services, Murdoch Childrens Research Institute
Classification: Uncertain significance for COL4A1-related disorder. Last evaluated: 2025-11-03. Review status: criteria provided, single submitter. Criteria: ACMG Guidelines, 2015. Collection method: clinical testing. Allele origin: germline. Affected: yes.
Comment: This variant is classified as VUS-3A. Evidence in support of pathogenic classification: Non-canonical splice site variant without proven consequence on splicing (no functional evidence available); Variant is absent from gnomAD (v2, v3 and v4); Strong phenotype match for this individual. Additional information: This variant is heterozygous; This gene is associated with autosomal dominant disease; This variant has no previous evidence of pathogenicity; No published evidence of segregation with disease has been identified for this variant; No published functional evidence has been identified for this variant; In silico prediction for abnormal splicing and nucleotide conservation are conflicting; Loss of function is a known mechanism of disease in this gene and is associated with COL4A1-related disorder (MONDO:0800461). Glycine substitutions affecting the Gly-X-Y repeat motif are known to have a dominant-negative mechanism of disease in other collagen genes, but conclusive functional evidence of a dominant-negative mechanism in this gene is not available (PMID: 16159887, 1867713, 23225343); Variants in this gene are known to have variable expressivity. Broad intra and interfamilial variation has been described in a number of affected families (PMID: 25719457); Parental origin of the variant is unresolved.

Literature cited by the submitters: PubMed 25719457; PubMed 16159887; PubMed 23225343; PubMed 1867713.